The following is an entry in ClinVar:

ClinVar aggregate classification (germline): Uncertain significance (1 of 4 stars; one submission).

Conditions:
Hereditary cancer-predisposing syndrome. Also called: Neoplastic Syndromes, Hereditary; Tumor predisposition; Hereditary Cancer Syndrome; Hereditary neoplastic syndrome. Identifiers: Orphanet 140162, MedGen C0027672, MeSH D009386, MONDO:0015356.

Submission:

Ambry Genetics
Classification: Uncertain significance for Hereditary cancer-predisposing syndrome. Last evaluated: 2022-06-16. Review status: criteria provided, single submitter. Criteria: Ambry Variant Classification Scheme 2023. Collection method: clinical testing. Allele origin: germline.
Comment: The p.S602T variant (also known as c.1804T>A), located in coding exon 4 of the MSH6 gene, results from a T to A substitution at nucleotide position 1804. The serine at codon 602 is replaced by threonine, an amino acid with similar properties. This amino acid position is conserved. In addition, the in silico prediction for this alteration is inconclusive. Since supporting evidence is limited at this time, the clinical significance of this alteration remains unclear.

NM_000179.3(MSH6):c.1804T>A (p.Ser602Thr)

Gene: MSH6 (mutS homolog 6; plus strand). Cytogenetic location: 2p16.3.
Variant type: single nucleotide variant.
Coding change: c.1804T>A on transcript NM_000179.3 (MANE Select); coding-DNA position 1804, T replaced by A.
Protein change: p.Ser602Thr; replaces serine 602 with threonine.
Molecular consequence: missense variant.
Genome position (GRCh38, 1-based): chr2:47,799,787, T>A. VCF-style: chr2-47799787-T-A. GRCh37 (hg19) VCF-style: chr2-48026926-T-A.
Other names: c.1414T>A, p.Ser472Thr (NM_001281492.2); c.898T>A, p.Ser300Thr (NM_001281493.2, NM_001281494.2, NM_001406811.1 and 6 more transcripts); c.1900T>A, p.Ser634Thr (NM_001406795.1, NM_001406802.1); c.1804T>A, p.Ser602Thr (NM_001406796.1, NM_001406798.1, NM_001406800.1 and 3 more transcripts); c.1507T>A, p.Ser503Thr (NM_001406797.1, NM_001406801.1, NM_001406805.1 and 10 more transcripts); c.1279T>A, p.Ser427Thr (NM_001406799.1, NM_001406806.1, NM_001406807.1); c.1726T>A, p.Ser576Thr (NM_001406804.1); c.1810T>A, p.Ser604Thr (NM_001406813.1); and 1 more; short protein forms S602T, S604T, S503T, S300T, S427T, S634T, S472T, S546T.
Identifiers: ClinVar variation 1780462 (VCV001780462.2), dbSNP rs2104368636, ClinGen allele CA346749354.